The following is an entry in ClinVar:

ClinVar aggregate classification (germline): Uncertain significance (1 of 4 stars; one submission).

Allele frequency attached by ClinVar (database versions not stated): gnomAD 0.00001; TOPMed 0.00001; ExAC 0.00002; gnomAD exomes 0.00004.
gnomAD v4.1: 61 of 1,613,964 alleles (0.0038%); highest among the groups gnomAD compares: South Asian, 0.036%; no homozygotes.

Submission:

Labcorp Genetics (formerly Invitae), Labcorp
Classification: Uncertain significance. Last evaluated: 2025-09-08. Review status: criteria provided, single submitter. Criteria: Invitae Variant Classification Sherloc (09022015). Collection method: clinical testing. Allele origin: germline.
Comment: This sequence change replaces threonine, which is neutral and polar, with alanine, which is neutral and non-polar, at codon 413 of the CLPX protein (p.Thr413Ala). This variant is present in population databases (rs770581618, gnomAD 0.02%). This variant has not been reported in the literature in individuals affected with CLPX-related conditions. ClinVar contains an entry for this variant (Variation ID: 1940470). Invitae Evidence Modeling of protein sequence and biophysical properties (such as structural, functional, and spatial information, amino acid conservation, physicochemical variation, residue mobility, and thermodynamic stability) has been performed for this missense variant. However, the output from this modeling did not meet the statistical confidence thresholds required to predict the impact of this variant on CLPX protein function. In summary, the available evidence is currently insufficient to determine the role of this variant in disease. Therefore, it has been classified as a Variant of Uncertain Significance.

NM_006660.5(CLPX):c.1237A>G (p.Thr413Ala)

Gene: CLPX (caseinolytic mitochondrial matrix peptidase chaperone subunit X; minus strand). Cytogenetic location: 15q22.31.
Variant type: single nucleotide variant.
Coding change: c.1237A>G on transcript NM_006660.5 (MANE Select); coding-DNA position 1237, A replaced by G.
Protein change: p.Thr413Ala; replaces threonine 413 with alanine.
Molecular consequence: missense variant. On other transcripts: non-coding transcript variant (1).
Genome position (GRCh38, 1-based): chr15:65,155,766, T>C on the plus strand (A>G on the coding strand, the complement: CLPX is on the minus strand). VCF-style: chr15-65155766-T-C. GRCh37 (hg19) VCF-style: chr15-65448104-T-C.
Other names: short protein forms T413A.
Identifiers: ClinVar variation 1940470 (VCV001940470.5), dbSNP rs770581618, ClinGen allele CA7614694.